The following is an entry in ClinVar:

NM_001253697.2(ERBIN):c.999C>T (p.Tyr333=)

Gene: ERBIN (erbb2 interacting protein; plus strand). Cytogenetic location: 5q12.3.
Variant type: single nucleotide variant.
Coding change: c.999C>T on transcript NM_001253697.2 (MANE Select); coding-DNA position 999, C replaced by T.
Protein change: p.Tyr333=; no amino-acid change (tyrosine 333 retained).
Molecular consequence: synonymous variant.
Genome position (GRCh38, 1-based): chr5:66,025,956, C>T. VCF-style: chr5-66025956-C-T. GRCh37 (hg19) VCF-style: chr5-65321784-C-T.
Other names: c.999C>T, p.Tyr333= (NM_001006600.3, NM_001253698.2, NM_001253699.2 and 2 more transcripts).
Identifiers: ClinVar variation 1168048 (VCV001168048.19), dbSNP rs146856556, ClinGen allele CA3286112.

ClinVar aggregate classification (germline): Benign/Likely benign. Review status: criteria provided, multiple submitters, no conflicts (2 of 4 stars). 4 submissions from 4 submitters: Benign (2); Likely benign (2). Last evaluated 2026-01-25.

Allele frequency attached by ClinVar (database versions not stated): 1000 Genomes Project 30x 0.00016; 1000 Genomes Project 0.00020; gnomAD 0.00045 and 0.00049; gnomAD exomes 0.00054 and 0.00077; ExAC 0.00069; TOPMed 0.00076; ESP Exome Variant Server 0.00077.
gnomAD v4.1: 884 of 1,586,768 alleles (0.056%); highest among the groups gnomAD compares: Middle Eastern, 0.6%; 6 homozygotes.

Submissions (4):

Labcorp Genetics (formerly Invitae), Labcorp
Classification: Benign. Last evaluated: 2026-01-25. Review status: criteria provided, single submitter. Criteria: Invitae Variant Classification Sherloc (09022015). Collection method: clinical testing. Allele origin: germline.

CeGaT Center for Human Genetics Tuebingen
Classification: Likely benign. Last evaluated: 2025-06-01. Review status: criteria provided, single submitter. Criteria: CeGaT Center For Human Genetics Tuebingen Variant Classification Criteria Version 2. Collection method: clinical testing. Allele origin: germline. Affected: yes. Observed: 1 variant allele.
Comment: ERBIN: BP4, BP7

Blueprint Genetics
Classification: Likely benign. Last evaluated: 2024-11-22. Review status: criteria provided, single submitter. Criteria: ACMG Guidelines, 2015. Collection method: clinical testing. Allele origin: germline.

Breakthrough Genomics
Classification: Benign. Review status: criteria provided, single submitter. Criteria: ACMG Guidelines, 2015. Collection method: not provided. Allele origin: germline. Inheritance: Unknown mechanism. Affected: yes.